The following is an entry in ClinVar:

ClinVar aggregate classification (germline): Uncertain significance. Review status: criteria provided, multiple submitters, no conflicts (2 of 4 stars). 2 submissions from 2 submitters: Uncertain significance (2). Last evaluated 2021-12-16.

Conditions:
Orofaciodigital syndrome type 6 (OFD6). Also called: OROFACIODIGITAL SYNDROME VI; OFDS VI; POLYDACTYLY, CLEFT LIP/PALATE OR LINGUAL LUMP, AND PSYCHOMOTOR RETARDATION; VARADI SYNDROME; VARADI-PAPP SYNDROME; Oral-facial-digital syndrome type 6. Identifiers: Orphanet 2754, MedGen C2745997, MONDO:0010176, OMIM 277170.
Joubert syndrome 17 (JBTS17). Identifiers: Orphanet 475, MedGen C3553264, MONDO:0013824, OMIM 614615.

gnomAD v4.1: 7 of 1,542,460 alleles (0.00045%); highest among the groups gnomAD compares: Admixed American, 0.012%; no homozygotes.

Submissions (2):

Fulgent Genetics
Classification: Uncertain significance for Orofaciodigital syndrome type 6; Joubert syndrome 17. Last evaluated: 2021-12-16. Review status: criteria provided, single submitter. Criteria: ACMG Guidelines, 2015. Collection method: clinical testing. Allele origin: unknown.

Labcorp Genetics (formerly Invitae), Labcorp
Classification: Uncertain significance. Last evaluated: 2021-06-08. Review status: criteria provided, single submitter. Criteria: Invitae Variant Classification Sherloc (09022015). Collection method: clinical testing. Allele origin: germline.
Comment: This sequence change replaces isoleucine with serine at codon 608 of the CPLANE1 protein (p.Ile608Ser). The isoleucine residue is weakly conserved and there is a large physicochemical difference between isoleucine and serine. This variant is not present in population databases (ExAC no frequency). This variant has not been reported in the literature in individuals with CPLANE1-related conditions. Advanced modeling of protein sequence and biophysical properties (such as structural, functional, and spatial information, amino acid conservation, physicochemical variation, residue mobility, and thermodynamic stability) performed at Invitae indicates that this missense variant is expected to disrupt CPLANE1 protein function. Algorithms developed to predict the effect of sequence changes on RNA splicing suggest that this variant may create or strengthen a splice site, but this prediction has not been confirmed by published transcriptional studies. In summary, the available evidence is currently insufficient to determine the role of this variant in disease. Therefore, it has been classified as a Variant of Uncertain Significance.

NM_001384732.1(CPLANE1):c.1823T>G (p.Ile608Ser)

Gene: CPLANE1 (ciliogenesis and planar polarity effector complex subunit 1; minus strand). Cytogenetic location: 5p13.2.
Variant type: single nucleotide variant.
Coding change: c.1823T>G on transcript NM_001384732.1 (MANE Select); coding-DNA position 1823, T replaced by G.
Protein change: p.Ile608Ser; replaces isoleucine 608 with serine.
Molecular consequence: missense variant.
Genome position (GRCh38, 1-based): chr5:37,226,772, A>C on the plus strand (T>G on the coding strand, the complement: CPLANE1 is on the minus strand). VCF-style: chr5-37226772-A-C. GRCh37 (hg19) VCF-style: chr5-37226874-A-C.
Other names: c.1823T>G, p.Ile608Ser (NM_023073.4); short protein forms I608S.
Identifiers: ClinVar variation 1444464 (VCV001444464.9), dbSNP rs1194762831, ClinGen allele CA359499106.
Genomic context (GRCh38, chr5:37,226,772, plus strand): 5'-CTTGAGCTTTTGCTTAAAACAAGATCAAGTTTAGGAAAAGGACATTTTATAAATTGAAGA[A>C]TGTAAAAAAAATGAGTGATACAAACTACTATGTAATTTAACATTAAATTTTTTTCTGTCA-3'
Protein context (NP_001371661.1, residues 598-618): IVVCITHFFY[Ile608Ser]LQFIKCPFPK